The following is an entry in ClinVar:

ClinVar aggregate classification (germline): Uncertain significance (1 of 4 stars; one submission).

Submission:

Women's Health and Genetics/Laboratory Corporation of America, LabCorp
Classification: Uncertain significance. Last evaluated: 2025-05-12. Review status: criteria provided, single submitter. Criteria: LabCorp Variant Classification Summary - May 2015. Collection method: clinical testing. Allele origin: germline.
Comment: Variant summary: TUBB1 c.275A>C (p.His92Pro) results in a non-conservative amino acid change in the encoded protein sequence. Algorithms developed to predict the effect of missense changes on protein structure and function are either unavailable or do not agree on the potential impact of this missense change. The variant allele was found at a frequency of 8e-06 in 251496 control chromosomes. The available data on variant occurrences in the general population are insufficient to allow any conclusion about variant significance. To our knowledge, no occurrence of c.275A>C in individuals affected with Autosomal Dominant Macrothrombocytopenia TUBB1-Related and no experimental evidence demonstrating its impact on protein function have been reported. No submitters have cited clinical-significance assessments for this variant to ClinVar. Based on the evidence outlined above, the variant was classified as uncertain significance.

NM_030773.4(TUBB1):c.275A>C (p.His92Pro)

Gene: TUBB1 (tubulin beta 1 class VI; plus strand). Cytogenetic location: 20q13.32.
Variant type: single nucleotide variant.
Coding change: c.275A>C on transcript NM_030773.4 (MANE Select); coding-DNA position 275, A replaced by C.
Protein change: p.His92Pro; replaces histidine 92 with proline.
Molecular consequence: missense variant.
Genome position (GRCh38, 1-based): chr20:59,023,598, A>C. VCF-style: chr20-59023598-A-C. GRCh37 (hg19) VCF-style: chr20-57598653-A-C.
Other names: short protein forms H92P.
Identifiers: ClinVar variation 3902277 (VCV003902277.1).